The following is an entry in ClinVar:

ClinVar aggregate classification (germline): Pathogenic. Review status: criteria provided, multiple submitters, no conflicts (2 of 4 stars). 2 submissions from 2 submitters: Pathogenic (2). Last evaluated 2025-07-30.

Conditions:
Familial focal epilepsy with variable foci (FPEVF). Identifiers: Orphanet 98820, MedGen C1858477, MONDO:0020310.
Epilepsy, familial focal, with variable foci 1 (FFEVF1). Also called: DEPDC5-Related Epilepsy. Identifiers: MedGen C4551983, MONDO:0024556, OMIM 604364.

Submissions (2):

Variantyx, Inc.
Classification: Pathogenic for Epilepsy, familial focal, with variable foci 1. Last evaluated: 2025-07-30. Review status: criteria provided, single submitter. Criteria: Variantyx Assertion Criteria 2022. Collection method: clinical testing. Allele origin: germline. Inheritance: Autosomal dominant inheritance. Affected: yes.
Comment: This is a canonical splicing variant in the DEPDC5 gene (OMIM: 614191). Pathogenic variants in this gene have been associated with autosomal dominant familial focal epilepsy with variable foci 1. This splicing variant is expected to result in loss of function, which is a known disease mechanism for DEPDC5 in this disorder (PMID: 30093711, 31377847) (PVS1). The alteration has been reported in at least 2 unrelated affected individuals (PMID: 30093711, 31377847) (PS4_Moderate), while it is absent from control populations (PM2). Based on the current evidence, this variant is classified as pathogenic for autosomal dominant familial focal epilepsy with variable foci 1.

Labcorp Genetics (formerly Invitae), Labcorp
Classification: Pathogenic for Familial focal epilepsy with variable foci. Last evaluated: 2025-01-15. Review status: criteria provided, single submitter. Criteria: Invitae Variant Classification Sherloc (09022015). Collection method: clinical testing. Allele origin: germline.
Comment: This sequence change affects a donor splice site in intron 30 of the DEPDC5 gene. It is expected to disrupt RNA splicing. Variants that disrupt the donor or acceptor splice site typically lead to a loss of protein function (PMID: 16199547), and loss-of-function variants in DEPDC5 are known to be pathogenic (PMID: 23542697, 23542701). This variant is not present in population databases (gnomAD no frequency). Disruption of this splice site has been observed in individuals with autosomal dominant DEPDC5-related conditions (PMID: 30093711; internal data). ClinVar contains an entry for this variant (Variation ID: 856151). Algorithms developed to predict the effect of sequence changes on RNA splicing suggest that this variant may disrupt the consensus splice site. For these reasons, this variant has been classified as Pathogenic.

Literature cited by the submitters: PubMed 30093711 (cited by Variantyx, Inc. and Labcorp Genetics (formerly Invitae), Labcorp); PubMed 31377847 (cited by Variantyx, Inc.); PubMed 16199547 (cited by Labcorp Genetics (formerly Invitae), Labcorp); PubMed 23542697 (cited by Labcorp Genetics (formerly Invitae), Labcorp); PubMed 23542701 (cited by Labcorp Genetics (formerly Invitae), Labcorp).

NM_001242896.3(DEPDC5):c.3021+1G>A

Gene: DEPDC5 (DEP domain containing 5, GATOR1 subcomplex subunit; plus strand). Cytogenetic location: 22q12.3.
Variant type: single nucleotide variant.
Coding change: c.3021+1G>A on transcript NM_001242896.3 (MANE Select); the canonical splice donor site of the intron after coding-DNA position 3021, G replaced by A.
Molecular consequence: splice donor variant.
Genome position (GRCh38, 1-based): chr22:31,845,238, G>A. VCF-style: chr22-31845238-G-A. GRCh37 (hg19) VCF-style: chr22-32241224-G-A.
Other names: c.3021+1G>A (NM_001364318.2, NM_001363852.2, NM_001364320.2); c.2994+1G>A (NM_001136029.4, NM_014662.6, NM_001369903.1); c.2787+1G>A (NM_001363854.2, NM_001242897.2, NM_001364319.2); c.2937+1G>A (NM_001369902.1, NM_001369901.1).
Identifiers: ClinVar variation 856151 (VCV000856151.11), dbSNP rs2091657024, ClinGen allele CA411291592.